The following is an entry in ClinVar:

NM_144997.7(FLCN):c.656C>T (p.Ala219Val)

Gene: FLCN (folliculin; minus strand). Cytogenetic location: 17p11.2.
Variant type: single nucleotide variant.
Coding change: c.656C>T on transcript NM_144997.7 (MANE Select); coding-DNA position 656, C replaced by T.
Protein change: p.Ala219Val; replaces alanine 219 with valine.
Molecular consequence: missense variant.
Genome position (GRCh38, 1-based): chr17:17,222,624, G>A on the plus strand (C>T on the coding strand, the complement: FLCN is on the minus strand). VCF-style: chr17-17222624-G-A. GRCh37 (hg19) VCF-style: chr17-17125938-G-A.
Other names: c.710C>T, p.Ala237Val (NM_001353229.2); c.656C>T, p.Ala219Val (NM_001353230.2, NM_001353231.2, NM_144606.7); short protein forms A237V, A219V.
Identifiers: ClinVar variation 1038487 (VCV001038487.5), dbSNP rs2047129495, ClinGen allele CA398534072.
Genomic context (GRCh38, chr17:17,222,624, plus strand): 5'-CGGGCGGCGTTGCCGTTCCTCTGGTGTAGGAATGGCGTGAAGGCTGTGTTCATCCTCTGA[G>A]CACGCTGTGGGCATCCAAACTGCTCTGCCTCAAACACCTGAAATGCAAAGGGAAGGGATG-3'
Protein context (NP_659434.2, residues 209-229): EAEQFGCPQR[Ala219Val]QRMNTAFTPF

ClinVar aggregate classification (germline): Uncertain significance (1 of 4 stars; one submission).

Conditions:
Birt-Hogg-Dube syndrome. Also called: Birt Hogg Dubé syndrome. Identifiers: Orphanet 122, MedGen C0346010, MONDO:0800444.

Submission:

Labcorp Genetics (formerly Invitae), Labcorp
Classification: Uncertain significance for Birt-Hogg-Dube syndrome. Last evaluated: 2023-07-28. Review status: criteria provided, single submitter. Criteria: Invitae Variant Classification Sherloc (09022015). Collection method: clinical testing. Allele origin: germline.
Comment: This variant is not present in population databases (gnomAD no frequency). In summary, the available evidence is currently insufficient to determine the role of this variant in disease. Therefore, it has been classified as a Variant of Uncertain Significance. Advanced modeling of protein sequence and biophysical properties (such as structural, functional, and spatial information, amino acid conservation, physicochemical variation, residue mobility, and thermodynamic stability) performed at Invitae indicates that this missense variant is not expected to disrupt FLCN protein function. ClinVar contains an entry for this variant (Variation ID: 1038487). This variant has not been reported in the literature in individuals affected with FLCN-related conditions. This sequence change replaces alanine, which is neutral and non-polar, with valine, which is neutral and non-polar, at codon 219 of the FLCN protein (p.Ala219Val).